The following is an entry in ClinVar:

NM_005120.3(MED12):c.5753G>A (p.Ser1918Asn)

Gene: MED12 (mediator complex subunit 12; plus strand). Cytogenetic location: Xq13.1.
Variant type: single nucleotide variant.
Coding change: c.5753G>A on transcript NM_005120.3 (MANE Select); coding-DNA position 5753, G replaced by A.
Protein change: p.Ser1918Asn; replaces serine 1918 with asparagine.
Molecular consequence: missense variant.
Genome position (GRCh38, 1-based): chrX:71,137,562, G>A. VCF-style: chrX-71137562-G-A. GRCh37 (hg19) VCF-style: chrX-70357412-G-A.
Other names: c.5753G>A (NM_005120.2); short protein forms S1918N.
Identifiers: ClinVar variation 2194059 (VCV002194059.5), dbSNP rs2092335840, ClinGen allele CA413537775.

ClinVar aggregate classification (germline): Uncertain significance. Review status: criteria provided, multiple submitters, no conflicts (2 of 4 stars). 2 submissions from 2 submitters: Uncertain significance (2). Last evaluated 2024-11-05.

Conditions:
FG syndrome (FGS). Identifiers: MedGen C0220769, MONDO:0002010.
MED12-Related Disorders. Also called: MED12-related condition; MED12-related disorder. Identifiers: MedGen CN381102.

Allele frequency attached by ClinVar (database versions not stated): gnomAD exomes below 0.00001; TOPMed 0.00001; gnomAD 0.00002.
gnomAD v4.1: 5 of 1,206,938 alleles (0.00041%); highest among the groups gnomAD compares: South Asian, 0.0018%; no homozygotes.

Submissions (2):

Labcorp Genetics (formerly Invitae), Labcorp
Classification: Uncertain significance for FG syndrome. Last evaluated: 2024-11-05. Review status: criteria provided, single submitter. Criteria: Invitae Variant Classification Sherloc (09022015). Collection method: clinical testing. Allele origin: germline.
Comment: This sequence change replaces serine, which is neutral and polar, with asparagine, which is neutral and polar, at codon 1918 of the MED12 protein (p.Ser1918Asn). This variant is not present in population databases (gnomAD no frequency). This variant has not been reported in the literature in individuals affected with MED12-related conditions. ClinVar contains an entry for this variant (Variation ID: 2194059). Invitae Evidence Modeling of protein sequence and biophysical properties (such as structural, functional, and spatial information, amino acid conservation, physicochemical variation, residue mobility, and thermodynamic stability) indicates that this missense variant is not expected to disrupt MED12 protein function with a negative predictive value of 95%. In summary, the available evidence is currently insufficient to determine the role of this variant in disease. Therefore, it has been classified as a Variant of Uncertain Significance.

PreventionGenetics, part of Exact Sciences
Classification: Uncertain significance for MED12-related condition. Last evaluated: 2022-10-19. Review status: criteria provided, single submitter. Criteria: ACMG Guidelines, 2015. Collection method: clinical testing. Allele origin: germline.
Comment: The MED12 c.5753G>A variant is predicted to result in the amino acid substitution p.Ser1918Asn. To our knowledge, this variant has not been reported in the literature or in a large population database, indicating this variant is rare. At this time, the clinical significance of this variant is uncertain due to the absence of conclusive functional and genetic evidence.